The following is an entry in ClinVar:

NM_001330311.2(DVL1):c.2006T>A (p.Val669Asp)

Gene: DVL1 (dishevelled segment polarity protein 1; minus strand). Cytogenetic location: 1p36.33.
Variant type: single nucleotide variant.
Coding change: c.2006T>A on transcript NM_001330311.2 (MANE Select); coding-DNA position 2006, T replaced by A.
Protein change: p.Val669Asp; replaces valine 669 with aspartic acid.
Molecular consequence: missense variant.
Genome position (GRCh38, 1-based): chr1:1,336,224, A>T on the plus strand (T>A on the coding strand, the complement: DVL1 is on the minus strand). VCF-style: chr1-1336224-A-T. GRCh37 (hg19) VCF-style: chr1-1271604-A-T.
Other names: c.1931T>A, p.Val644Asp (NM_004421.3); short protein forms V644D, V669D.
Identifiers: ClinVar variation 3899805 (VCV003899805.1).

ClinVar aggregate classification (germline): Uncertain significance (1 of 4 stars; one submission).

Submission:

GeneDx
Classification: Uncertain significance. Last evaluated: 2024-11-15. Review status: criteria provided, single submitter. Criteria: GeneDx Variant Classification Process June 2021. Collection method: clinical testing. Allele origin: germline. Affected: yes.
Comment: Not observed at significant frequency in large population cohorts (gnomAD); In silico analysis supports that this missense variant has a deleterious effect on protein structure/function; Has not been previously published as pathogenic or benign to our knowledge.